The following is an entry in ClinVar:

ClinVar aggregate classification (germline): Uncertain significance (1 of 4 stars; one submission).

Conditions:
Low phospholipid associated cholelithiasis (GBD1). Also called: Gallbladder disease 1; Gallstone cholecystitis. Identifiers: Orphanet 69663, MedGen C2609268, MONDO:0010939, OMIM 600803.

gnomAD v4.1: 14 of 1,614,092 alleles (0.00087%); highest among the groups gnomAD compares: Non-Finnish European, 0.0012%; no homozygotes.

Submission:

Genomenon, Inc
Classification: Uncertain significance for Low phospholipid associated cholelithiasis. Last evaluated: 2026-04-14. Review status: criteria provided, single submitter. Criteria: Genomenon Sequence Variant Interpretation Standards - Updated. Collection method: curation. Allele origin: germline. Affected: yes.
Comment: ABCB4 p.Tyr997Cys (c.2990A>G) is a missense variant that changes the amino acid at residue 997 from Tyrosine to Cysteine. This variant has been observed in at least one proband with an ABCB4-related disorder (PMID:31538484). It has been observed in trans with a pathogenic or likely pathogenic variant (PMID:31538484). It is absent or not present at a significant frequency in gnomAD. In silico models predict that this variant is possibly or probably damaging. In conclusion, we classify ABCB4 p.Tyr997Cys (c.2990A>G) as a variant of uncertain significance.

Literature cited by the submitters: PubMed 31538484.

NM_000443.4(ABCB4):c.2990A>G (p.Tyr997Cys)

Gene: ABCB4 (ATP binding cassette subfamily B member 4; minus strand). Cytogenetic location: 7q21.12.
Variant type: single nucleotide variant.
Coding change: c.2990A>G on transcript NM_000443.4 (MANE Select); coding-DNA position 2990, A replaced by G.
Protein change: p.Tyr997Cys; replaces tyrosine 997 with cysteine.
Molecular consequence: missense variant.
Genome position (GRCh38, 1-based): chr7:87,409,327, T>C on the plus strand (A>G on the coding strand, the complement: ABCB4 is on the minus strand). VCF-style: chr7-87409327-T-C. GRCh37 (hg19) VCF-style: chr7-87038643-T-C.
Other names: c.2990A>G, p.Tyr997Cys (NM_018849.3); c.2849A>G, p.Tyr950Cys (NM_018850.3); short protein forms Y950C, Y997C.
Identifiers: ClinVar variation 4846679 (VCV004846679.1).